The following is an entry in ClinVar:

NM_001099667.3(ARMS2):c.298-13A>T

Genes: ARMS2 (age-related maculopathy susceptibility 2; plus strand), HTRA1-AS1 (HTRA1 and ARMS2 antisense RNA 1; minus strand). Cytogenetic location: 10q26.13.
Variant type: single nucleotide variant.
Coding change: c.298-13A>T on transcript NM_001099667.3 (MANE Select); 13 bases into the intron before coding-DNA position 298, A replaced by T.
Molecular consequence: intron variant.
Genome position (GRCh38, 1-based): chr10:122,456,894, A>T. VCF-style: chr10-122456894-A-T. GRCh37 (hg19) VCF-style: chr10-124216410-A-T.
Identifiers: ClinVar variation 299032 (VCV000299032.7), dbSNP rs7088128, ClinGen allele CA5725771.

ClinVar aggregate classification (germline): Benign/Likely benign. Review status: criteria provided, multiple submitters, no conflicts (2 of 4 stars). 2 submissions from 2 submitters: Benign (1); Likely benign (1). Last evaluated 2018-01-12.

Conditions:
Age related macular degeneration 8. Identifiers: MedGen C3151070, MONDO:0013416, OMIM 613778.

gnomAD v4.1: 4,512 of 1,510,222 alleles (0.3%); highest among the groups gnomAD compares: African/African-American, 4.2%; 91 homozygotes.

Submissions (2):

Illumina Laboratory Services, Illumina
Classification: Benign for Age related macular degeneration 8. Last evaluated: 2018-01-12. Review status: criteria provided, single submitter. Criteria: ICSL Variant Classification Criteria 13 December 2019. Collection method: clinical testing. Allele origin: germline.
Comment: This variant was observed in the ICSL laboratory as part of a predisposition screen in an ostensibly healthy population. It had not been previously curated by ICSL or reported in the Human Gene Mutation Database (HGMD: prior to June 1st, 2018), and was therefore a candidate for classification through an automated scoring system. Utilizing variant allele frequency, disease prevalence and penetrance estimates, and inheritance mode, an automated score was calculated to assess if this variant is too frequent to cause the disease. Based on the score and internal cut-off values, a variant classified as benign is not then subjected to further curation. The score for this variant resulted in a classification of benign for this disease.

Breakthrough Genomics
Classification: Likely benign. Review status: criteria provided, single submitter. Criteria: ACMG Guidelines, 2015. Collection method: not provided. Allele origin: germline. Inheritance: Unknown mechanism. Affected: yes.